The following is an entry in ClinVar:

ClinVar aggregate classification (germline): Uncertain significance (1 of 4 stars; one submission).

Conditions:
Lethal multiple pterygium syndrome (LMPS). Identifiers: Orphanet 33108, MedGen C1854678, MONDO:0009668, OMIM 253290.

Allele frequency attached by ClinVar (database versions not stated): ExAC 0.00002; TOPMed 0.00002; gnomAD 0.00003; ESP Exome Variant Server 0.00008; 1000 Genomes Project 30x 0.00016; 1000 Genomes Project 0.00020.
gnomAD v4.1: 45 of 1,613,024 alleles (0.0028%); highest among the groups gnomAD compares: African/African-American, 0.0067%; no homozygotes.

Submission:

Labcorp Genetics (formerly Invitae), Labcorp
Classification: Uncertain significance for Lethal multiple pterygium syndrome. Last evaluated: 2025-07-28. Review status: criteria provided, single submitter. Criteria: Invitae Variant Classification Sherloc (09022015). Collection method: clinical testing. Allele origin: germline.
Comment: This sequence change affects codon 180 of the CHRNA1 mRNA. It is a 'silent' change, meaning that it does not change the encoded amino acid sequence of the CHRNA1 protein. This variant also falls at the last nucleotide of exon 5, which is part of the consensus splice site for this exon. The frequency data for this variant in the population databases is considered unreliable, as metrics indicate poor data quality at this position in the gnomAD database. This variant has not been reported in the literature in individuals affected with CHRNA1-related conditions. ClinVar contains an entry for this variant (Variation ID: 2191131). Variants that disrupt the consensus splice site are a relatively common cause of aberrant splicing (PMID: 17576681, 9536098). Algorithms developed to predict the effect of sequence changes on RNA splicing suggest that this variant is not likely to affect RNA splicing. In summary, the available evidence is currently insufficient to determine the role of this variant in disease. Therefore, it has been classified as a Variant of Uncertain Significance.

Literature cited by the submitters: PubMed 17576681; PubMed 9536098.

NM_000079.4(CHRNA1):c.540G>A (p.Pro180=)

Gene: CHRNA1 (cholinergic receptor nicotinic alpha 1 subunit; minus strand). Cytogenetic location: 2q31.1.
Variant type: single nucleotide variant.
Coding change: c.540G>A on transcript NM_000079.4 (MANE Select); coding-DNA position 540, G replaced by A.
Protein change: p.Pro180=; no amino-acid change (proline 180 retained).
Molecular consequence: synonymous variant.
Genome position (GRCh38, 1-based): chr2:174,754,219, C>T on the plus strand (G>A on the coding strand, the complement: CHRNA1 is on the minus strand). VCF-style: chr2-174754219-C-T. GRCh37 (hg19) VCF-style: chr2-175618947-C-T.
Other names: c.615G>A, p.Pro205= (NM_001039523.3).
Identifiers: ClinVar variation 2191131 (VCV002191131.4), dbSNP rs370479041, ClinGen allele CA1974533.
Genomic context (GRCh38, chr2:174,754,219, plus strand): 5'-TTGGAGACCCGAATCACAATTTTCCTGAAACCACCCTTATCATATGTGGCCACCACCTAC[C>T]GGGTTGATGGCCACGACAGAGCCGTCGTAGGTCCAGGTGCCCAGCTTCATGCTGCAGTTC-3'
Protein context (NP_000070.1, residues 170-190): TYDGSVVAIN[Pro180=]ESDQPDLSNF